The following is an entry in ClinVar:

ClinVar aggregate classification (germline): Uncertain significance (1 of 4 stars; one submission).

Conditions:
Oligodontia-cancer predisposition syndrome. Also called: TOOTH AGENESIS-COLORECTAL CANCER SYNDROME. Identifiers: Orphanet 300576, MedGen C1837750, MONDO:0012075, OMIM 608615. Disease mechanism: loss of function.

Submission:

Labcorp Genetics (formerly Invitae), Labcorp
Classification: Uncertain significance for Oligodontia-cancer predisposition syndrome. Last evaluated: 2024-08-31. Review status: criteria provided, single submitter. Criteria: Invitae Variant Classification Sherloc (09022015). Collection method: clinical testing. Allele origin: germline.
Comment: This sequence change replaces glutamic acid, which is acidic and polar, with aspartic acid, which is acidic and polar, at codon 405 of the AXIN2 protein (p.Glu405Asp). This variant is not present in population databases (gnomAD no frequency). This variant has not been reported in the literature in individuals affected with AXIN2-related conditions. Invitae Evidence Modeling of protein sequence and biophysical properties (such as structural, functional, and spatial information, amino acid conservation, physicochemical variation, residue mobility, and thermodynamic stability) indicates that this missense variant is not expected to disrupt AXIN2 protein function with a negative predictive value of 80%. In summary, the available evidence is currently insufficient to determine the role of this variant in disease. Therefore, it has been classified as a Variant of Uncertain Significance.

NM_004655.4(AXIN2):c.1215G>T (p.Glu405Asp)

Gene: AXIN2 (axin 2; minus strand). Cytogenetic location: 17q24.1.
Variant type: single nucleotide variant.
Coding change: c.1215G>T on transcript NM_004655.4 (MANE Select); coding-DNA position 1215, G replaced by T.
Protein change: p.Glu405Asp; replaces glutamic acid 405 with aspartic acid.
Molecular consequence: missense variant.
Genome position (GRCh38, 1-based): chr17:65,537,821, C>A on the plus strand (G>T on the coding strand, the complement: AXIN2 is on the minus strand). VCF-style: chr17-65537821-C-A. GRCh37 (hg19) VCF-style: chr17-63533939-C-A.
Other names: c.1215G>T, p.Glu405Asp (NM_001363813.1); short protein forms E405D.
Identifiers: ClinVar variation 3660564 (VCV003660564.2).
Genomic context (GRCh38, chr17:65,537,821, plus strand): 5'-TAGGGAGAGGGGGTGCTGCGTGGGCGCCCCCTCCCGCGAATTGAGTGTGAGCTCGGAGCC[C>A]TCTCTCTCTTCATCCTGAAAGGGAAGACGTCAGAAGGAGAAGTGACCCAGGAAGCAGAAG-3'
Protein context (NP_004646.3, residues 395-415): LQQIREDEER[Glu405Asp]GSELTLNSRE